The following is an entry in ClinVar:

NM_004260.4(RECQL4):c.1555_1560del (p.Tyr519_Ser520del)

Gene: RECQL4 (RecQ like helicase 4; minus strand). Cytogenetic location: 8q24.3.
Variant type: Deletion.
Coding change: c.1555_1560del on transcript NM_004260.4 (MANE Select); coding-DNA positions 1555 to 1560, 6 bases deleted (TACAGC; older notation c.1555_1560delTACAGC).
Protein change: p.Tyr519_Ser520del.
Molecular consequence: inframe deletion.
Genome position (GRCh38, 1-based): chr8:144,514,996-144,515,001, GCTGTA deleted on the plus strand (TACAGC on the coding strand, the reverse complement: RECQL4 is on the minus strand); deleting any 6 consecutive bases within chr8:144,514,996-144,515,002 gives the same sequence; the c. name uses the placement nearest the transcript's 3' end. VCF-style (leftmost placement, unchanged base first): chr8-144514995-GGCTGTA-G. GRCh37 (hg19) VCF-style: chr8-145740379-GGCTGTA-G.
Other names: c.1555_1560delTACAGC (NM_004260.3).
Identifiers: ClinVar variation 529044 (VCV000529044.5), dbSNP rs1210416985, ClinGen allele CA658797177.
Genomic context (GRCh38, chr8:144,514,995, plus strand): 5'-CCTGGTCATCCATGAGTGACAGCAGGGGAGAGACGACCAACGTGAGGCAGGGGCTGCGCC[GGCTGTA>G]GAGCAGCGCTGGGAGCTGGTAGCACAGGGACTTGCCGGCACCTGTAGGCAGCACCAGCAG-3'

ClinVar aggregate classification (germline): Uncertain significance (1 of 4 stars; one submission).

Conditions:
Baller-Gerold syndrome (BGS). Also called: CRANIOSYNOSTOSIS WITH RADIAL DEFECTS. Identifiers: Orphanet 1225, MedGen C0265308, MONDO:0009039, OMIM 218600.

Submission:

Labcorp Genetics (formerly Invitae), Labcorp
Classification: Uncertain significance for Baller-Gerold syndrome. Last evaluated: 2024-11-24. Review status: criteria provided, single submitter. Criteria: Invitae Variant Classification Sherloc (09022015). Collection method: clinical testing. Allele origin: germline.
Comment: This variant, c.1555_1560del, results in the deletion of 2 amino acid(s) of the RECQL4 protein (p.Tyr519_Ser520del), but otherwise preserves the integrity of the reading frame. This variant is not present in population databases (gnomAD no frequency). This variant has not been reported in the literature in individuals affected with RECQL4-related conditions. ClinVar contains an entry for this variant (Variation ID: 529044). Experimental studies and prediction algorithms are not available or were not evaluated, and the functional significance of this variant is currently unknown. In summary, the available evidence is currently insufficient to determine the role of this variant in disease. Therefore, it has been classified as a Variant of Uncertain Significance.